The following is an entry in ClinVar:

NM_015450.3(POT1):c.373T>C (p.Phe125Leu)

Gene: POT1 (protection of telomeres 1; minus strand). Cytogenetic location: 7q31.33.
Variant type: single nucleotide variant.
Coding change: c.373T>C on transcript NM_015450.3 (MANE Select); coding-DNA position 373, T replaced by C.
Protein change: p.Phe125Leu; replaces phenylalanine 125 with leucine.
Molecular consequence: missense variant. On other transcripts: 5 prime UTR variant (1), non-coding transcript variant (3).
Genome position (GRCh38, 1-based): chr7:124,863,523, A>G on the plus strand (T>C on the coding strand, the complement: POT1 is on the minus strand). VCF-style: chr7-124863523-A-G. GRCh37 (hg19) VCF-style: chr7-124503577-A-G.
Other names: c.-21T>C (NM_001042594.2); short protein forms F125L.
Identifiers: ClinVar variation 1313159 (VCV001313159.4), dbSNP rs2116542157, ClinGen allele CA369059749.
Genomic context (GRCh38, chr7:124,863,523, plus strand): 5'-ACATATGAGTAGATGCCCAAACACGTAAGGCTTCTACCATTTTGTGGTCCTCAGTAGTGA[A>G]GTTAAAATACTTGCTTGAAGTGCGAGGTATGATAGGGGCTCCCAAAGTTCCCTCAAACGT-3'
Protein context (NP_056265.2, residues 115-135): IPRTSSKYFN[Phe125Leu]TTEDHKMVEA

ClinVar aggregate classification (germline): Conflicting classifications of pathogenicity. Review status: criteria provided, conflicting classifications (1 of 4 stars). 3 submissions from 3 submitters: Pathogenic (1); Uncertain significance (2). Last evaluated 2025-12-23.

Conditions:
Hereditary cancer-predisposing syndrome. Also called: Hereditary neoplastic syndrome; Neoplastic Syndromes, Hereditary; Tumor predisposition; Hereditary Cancer Syndrome. Identifiers: Orphanet 140162, MedGen C0027672, MeSH D009386, MONDO:0015356.
Long telomere syndrome.

Submissions (3):

The Telomere Center at Johns Hopkins, Johns Hopkins University School of Medicine
Classification: Pathogenic for Long Telomere Syndrome. Last evaluated: 2025-12-23. Review status: criteria provided, single submitter. Criteria: Davidson-Swinton et al. (Blood. 2026). Collection method: clinical testing. Allele origin: germline. Affected: yes.

Ambry Genetics
Classification: Uncertain significance for Hereditary cancer-predisposing syndrome. Last evaluated: 2023-10-06. Review status: criteria provided, single submitter. Criteria: Ambry Variant Classification Scheme 2023. Collection method: clinical testing. Allele origin: germline.
Comment: The p.F125L variant (also known as c.373T>C), located in coding exon 4 of the POT1 gene, results from a T to C substitution at nucleotide position 373. The phenylalanine at codon 125 is replaced by leucine, an amino acid with highly similar properties. This amino acid position is highly conserved in available vertebrate species. In addition, the in silico prediction for this alteration is inconclusive. Since supporting evidence is limited at this time, the clinical significance of this alteration remains unclear.

GeneDx
Classification: Uncertain significance. Last evaluated: 2020-08-20. Review status: criteria provided, single submitter. Criteria: GeneDx Variant Classification Process June 2021. Collection method: clinical testing. Allele origin: germline. Affected: yes.
Comment: Not observed in large population cohorts (Lek 2016); In silico analysis supports that this missense variant has a deleterious effect on protein structure/function; Has not been previously published as pathogenic or benign to our knowledge; This variant is associated with the following publications: (PMID: 32697969)